The following is an entry in ClinVar:

ClinVar aggregate classification (germline): Pathogenic (1 of 4 stars; one submission).

Conditions:
Catecholaminergic polymorphic ventricular tachycardia 1. Also called: VENTRICULAR TACHYCARDIA, CATECHOLAMINERGIC POLYMORPHIC, 1, WITH OR WITHOUT ATRIAL DYSFUNCTION AND/OR DILATED CARDIOMYOPATHY; VENTRICULAR TACHYCARDIA, STRESS-INDUCED POLYMORPHIC 1; RYR2-Related Catecholaminergic Polymorphic Ventricular Tachycardia. Identifiers: Orphanet 3286, MedGen C1631597, MONDO:0011484, OMIM 604772.

Submission:

Labcorp Genetics (formerly Invitae), Labcorp
Classification: Pathogenic for Catecholaminergic polymorphic ventricular tachycardia 1. Last evaluated: 2020-02-10. Review status: criteria provided, single submitter. Criteria: Invitae Variant Classification Sherloc (09022015). Collection method: clinical testing. Allele origin: germline.
Comment: For these reasons, this variant has been classified as Pathogenic. This variant disrupts the p.Pro2328 amino acid residue in RYR2. Other variant(s) that disrupt this residue have been observed in individuals with RYR2-related conditions (PMID: 15197150), suggesting that it is a clinically significant residue. As a result, variants that disrupt this residue are likely to be causative of disease. Algorithms developed to predict the effect of missense changes on protein structure and function (SIFT, PolyPhen-2, Align-GVGD) all suggest that this variant is likely to be disruptive, but these predictions have not been confirmed by published functional studies and their clinical significance is uncertain. This variant has been observed in individual(s) with clinical features of catecholaminergic polymorphic ventricular tachycardia (Invitae. In at least one individual the variant was observed to be de novo. This variant is not present in population databases (ExAC no frequency). This sequence change replaces proline with alanine at codon 2328 of the RYR2 protein (p.Pro2328Ala). The proline residue is highly conserved and there is a small physicochemical difference between proline and alanine.

Literature cited by the submitters: PubMed 15197150.

NM_001035.3(RYR2):c.6982C>G (p.Pro2328Ala)

Gene: RYR2 (ryanodine receptor 2; plus strand). Cytogenetic location: 1q43.
Variant type: single nucleotide variant.
Coding change: c.6982C>G on transcript NM_001035.3 (MANE Select); coding-DNA position 6982, C replaced by G.
Protein change: p.Pro2328Ala; replaces proline 2328 with alanine.
Molecular consequence: missense variant.
Genome position (GRCh38, 1-based): chr1:237,639,068, C>G. VCF-style: chr1-237639068-C-G. GRCh37 (hg19) VCF-style: chr1-237802368-C-G.
Other names: short protein forms P2328A.
Identifiers: ClinVar variation 840374 (VCV000840374.11), dbSNP rs121918603, ClinGen allele CA345395838.